The following is an entry in ClinVar:

NM_014053.4(FLVCR1):c.563C>T (p.Ala188Val)

Gene: FLVCR1 (FLVCR choline and heme transporter 1; plus strand). Cytogenetic location: 1q32.3.
Variant type: single nucleotide variant.
Coding change: c.563C>T on transcript NM_014053.4 (MANE Select); coding-DNA position 563, C replaced by T.
Protein change: p.Ala188Val; replaces alanine 188 with valine.
Molecular consequence: missense variant.
Genome position (GRCh38, 1-based): chr1:212,859,015, C>T. VCF-style: chr1-212859015-C-T. GRCh37 (hg19) VCF-style: chr1-213032357-C-T.
Other names: short protein forms A188V.
Identifiers: ClinVar variation 844017 (VCV000844017.8), dbSNP rs140233942, ClinGen allele CA1385914.

ClinVar aggregate classification (germline): Uncertain significance. Review status: criteria provided, multiple submitters, no conflicts (2 of 4 stars). 2 submissions from 2 submitters: Uncertain significance (2). Last evaluated 2025-11-11.

Conditions:
FLVCR1-related disorder. Also called: FLVCR1-related condition.

Allele frequency attached by ClinVar (database versions not stated): gnomAD exomes below 0.00001 and 0.00001; ExAC 0.00002; gnomAD 0.00002; TOPMed 0.00005; ESP Exome Variant Server 0.00008.
gnomAD v4.1: 6 of 1,612,272 alleles (0.00037%); highest among the groups gnomAD compares: African/African-American, 0.008%; no homozygotes.

Submissions (2):

PreventionGenetics, part of Exact Sciences
Classification: Uncertain significance for FLVCR1-related condition. Last evaluated: 2025-11-11. Review status: criteria provided, single submitter. Criteria: ACMG Guidelines, 2015. Collection method: clinical testing. Allele origin: germline.
Comment: The FLVCR1 c.563C>T variant is predicted to result in the amino acid substitution p.Ala188Val. To our knowledge, this variant has not been reported in the literature. This variant is reported in 0.018% of alleles in individuals of African descent in gnomAD. At this time, the clinical significance of this variant is uncertain due to the absence of conclusive functional and genetic evidence.

Labcorp Genetics (formerly Invitae), Labcorp
Classification: Uncertain significance. Last evaluated: 2022-01-13. Review status: criteria provided, single submitter. Criteria: Invitae Variant Classification Sherloc (09022015). Collection method: clinical testing. Allele origin: germline.
Comment: This sequence change replaces alanine, which is neutral and non-polar, with valine, which is neutral and non-polar, at codon 188 of the FLVCR1 protein (p.Ala188Val). This variant is present in population databases (rs140233942, gnomAD 0.02%). This missense change has been observed in individual(s) with clinical features of posterior column ataxia with retinitis pigmentosa (Invitae). In at least one individual the data is consistent with being in trans (on the opposite chromosome) from a pathogenic variant. ClinVar contains an entry for this variant (Variation ID: 844017). Algorithms developed to predict the effect of missense changes on protein structure and function (SIFT, PolyPhen-2, Align-GVGD) all suggest that this variant is likely to be disruptive. In summary, the available evidence is currently insufficient to determine the role of this variant in disease. Therefore, it has been classified as a Variant of Uncertain Significance.